The following is an entry in ClinVar:

NM_001378452.1(ITPR1):c.634G>A (p.Val212Ile)

Gene: ITPR1 (inositol 1,4,5-trisphosphate receptor type 1; plus strand). Cytogenetic location: 3p26.1.
Variant type: single nucleotide variant.
Coding change: c.634G>A on transcript NM_001378452.1 (MANE Select); coding-DNA position 634, G replaced by A.
Protein change: p.Val212Ile; replaces valine 212 with isoleucine.
Molecular consequence: missense variant.
Genome position (GRCh38, 1-based): chr3:4,645,396, G>A. VCF-style: chr3-4645396-G-A. GRCh37 (hg19) VCF-style: chr3-4687080-G-A.
Other names: c.634G>A, p.Val212Ile (NM_001099952.4, NM_001168272.2, NM_002222.7); c.634G>A (NM_001168272.1); short protein forms V212I.
Identifiers: ClinVar variation 809405 (VCV000809405.46), dbSNP rs774735244, ClinGen allele CA2230913.

ClinVar aggregate classification (germline): Uncertain significance. Review status: criteria provided, multiple submitters, no conflicts (2 of 4 stars). 3 submissions from 3 submitters: Uncertain significance (3). Last evaluated 2024-03-16.

Allele frequency attached by ClinVar (database versions not stated): gnomAD exomes below 0.00001 and 0.00001; ExAC 0.00001; gnomAD 0.00001 and 0.00002.
gnomAD v4.1: 12 of 1,610,944 alleles (0.00074%); highest among the groups gnomAD compares: Admixed American, 0.0017%; no homozygotes.

Submissions (3):

Labcorp Genetics (formerly Invitae), Labcorp
Classification: Uncertain significance. Last evaluated: 2024-03-16. Review status: criteria provided, single submitter. Criteria: Invitae Variant Classification Sherloc (09022015). Collection method: clinical testing. Allele origin: germline.
Comment: This sequence change replaces valine, which is neutral and non-polar, with isoleucine, which is neutral and non-polar, at codon 212 of the ITPR1 protein (p.Val212Ile). The frequency data for this variant in the population databases is considered unreliable, as metrics indicate poor data quality at this position in the gnomAD database. This variant has not been reported in the literature in individuals affected with ITPR1-related conditions. ClinVar contains an entry for this variant (Variation ID: 809405). Advanced modeling of protein sequence and biophysical properties (such as structural, functional, and spatial information, amino acid conservation, physicochemical variation, residue mobility, and thermodynamic stability) has been performed at Invitae for this missense variant, however the output from this modeling did not meet the statistical confidence thresholds required to predict the impact of this variant on ITPR1 protein function. In summary, the available evidence is currently insufficient to determine the role of this variant in disease. Therefore, it has been classified as a Variant of Uncertain Significance.

Athena Diagnostics
Classification: Uncertain significance. Last evaluated: 2023-01-10. Review status: criteria provided, single submitter. Criteria: Athena Diagnostics Criteria. Collection method: clinical testing. Allele origin: unknown.
Comment: Available data are insufficient to determine the clinical significance of the variant at this time. The frequency of this variant in the general population is uninformative in assessment of its pathogenicity. Computational tools disagree on the variant's effect on normal protein function.

CeGaT Center for Human Genetics Tuebingen
Classification: Uncertain significance. Last evaluated: 2019-02-01. Review status: criteria provided, single submitter. Criteria: CeGaT Center For Human Genetics Tuebingen Variant Classification Criteria Version 2. Collection method: clinical testing. Allele origin: germline. Affected: yes. Observed: 1 variant allele.